The following is an entry in ClinVar:

ClinVar aggregate classification (germline): Conflicting classifications of pathogenicity. Review status: criteria provided, conflicting classifications (1 of 4 stars). 3 submissions from 3 submitters: Uncertain significance (2); Likely benign (1). Last evaluated 2026-01-26.

Conditions:
Myofibrillar myopathy 5. Also called: Filaminopathy (type); FILAMINOPATHY, AUTOSOMAL DOMINANT. Identifiers: Orphanet 171445, MedGen C1836050, MONDO:0012289, OMIM 609524.
Distal myopathy with posterior leg and anterior hand involvement. Also called: WILLIAMS DISTAL MYOPATHY. Identifiers: Orphanet 63273, MedGen C3279722, MONDO:0013550, OMIM 614065.
Hypertrophic cardiomyopathy 26. Also called: Cardiomyopathy, familial hypertrophic, 26. Identifiers: Orphanet 75249, MedGen C4310749, MONDO:0014883, OMIM 617047.
Cardiovascular phenotype. Identifiers: MedGen CN230736.

Allele frequency attached by ClinVar (database versions not stated): gnomAD 0.00002 and 0.00003; TOPMed 0.00003; ExAC 0.00010.
gnomAD v4.1: 32 of 1,612,844 alleles (0.002%); highest among the groups gnomAD compares: Admixed American, 0.005%; no homozygotes.

Submissions (3):

Labcorp Genetics (formerly Invitae), Labcorp
Classification: Likely benign for Distal myopathy with posterior leg and anterior hand involvement; Myofibrillar myopathy 5; Hypertrophic cardiomyopathy 26. Last evaluated: 2026-01-26. Review status: criteria provided, single submitter. Criteria: Invitae Variant Classification Sherloc (09022015). Collection method: clinical testing. Allele origin: germline.

GeneDx
Classification: Uncertain significance. Last evaluated: 2024-10-07. Review status: criteria provided, single submitter. Criteria: GeneDx Variant Classification Process June 2021. Collection method: clinical testing. Allele origin: germline. Affected: yes.
Comment: Reported previously in healthy controls and not seen in patients with hypertrophic cardiomyopathy (PMID: 28356264); In silico analysis supports that this missense variant has a deleterious effect on protein structure/function; This variant is associated with the following publications: (PMID: 30683863, 28356264)

Ambry Genetics
Classification: Uncertain significance for Cardiovascular phenotype. Last evaluated: 2024-08-29. Review status: criteria provided, single submitter. Criteria: Ambry Variant Classification Scheme 2023. Collection method: clinical testing. Allele origin: germline.
Comment: The p.R461C variant (also known as c.1381C>T), located in coding exon 8 of the FLNC gene, results from a C to T substitution at nucleotide position 1381. The arginine at codon 461 is replaced by cysteine, an amino acid with highly dissimilar properties. This variant has been reported in a hypertrophic cardiomyopathy (HCM) cohort (G&oacute;mez J et al. Circ Cardiovasc Genet, 2017 Apr;10:). This amino acid position is well conserved in available vertebrate species. In addition, this alteration is predicted to be tolerated by in silico analysis. Based on the available evidence, the clinical significance of this variant remains unclear.

Literature cited by the submitters: PubMed 28356264 (cited by Ambry Genetics).

NM_001458.5(FLNC):c.1381C>T (p.Arg461Cys)

Gene: FLNC (filamin C; plus strand). Cytogenetic location: 7q32.1.
Variant type: single nucleotide variant.
Coding change: c.1381C>T on transcript NM_001458.5 (MANE Select); coding-DNA position 1381, C replaced by T.
Protein change: p.Arg461Cys; replaces arginine 461 with cysteine.
Molecular consequence: missense variant.
Genome position (GRCh38, 1-based): chr7:128,838,773, C>T. VCF-style: chr7-128838773-C-T. GRCh37 (hg19) VCF-style: chr7-128478827-C-T.
Other names: c.1381C>T, p.Arg461Cys (NM_001127487.2); short protein forms R461C.
Identifiers: ClinVar variation 945245 (VCV000945245.10), dbSNP rs766999669, ClinGen allele CA4474311.
Genomic context (GRCh38, chr7:128,838,773, plus strand): 5'-AGACCTGCCATGGAGGGGCCACATACCGTGCATGTGGCCTTTGCGGGTGCCCCCATCACC[C>T]GCAGTCCCTTCCCTGTCCATGTGTCGGAAGGTAAGGGCCCTTCACTGCTCCCCACGGTAG-3'
Protein context (NP_001449.3, residues 451-471): HVAFAGAPIT[Arg461Cys]SPFPVHVSEA